The following is an entry in ClinVar:

ClinVar aggregate classification (germline): Uncertain significance (1 of 4 stars; one submission).

Allele frequency attached by ClinVar (database versions not stated): ExAC 0.00001.
gnomAD v4.1: 4 of 1,606,424 alleles (0.00025%); highest among the groups gnomAD compares: Non-Finnish European, 0.00034%; no homozygotes.

Submission:

Labcorp Genetics (formerly Invitae), Labcorp
Classification: Uncertain significance. Last evaluated: 2023-04-10. Review status: criteria provided, single submitter. Criteria: Invitae Variant Classification Sherloc (09022015). Collection method: clinical testing. Allele origin: germline.
Comment: This variant is present in population databases (rs760902696, gnomAD 0.001%). This variant has not been reported in the literature in individuals affected with CARMIL2-related conditions. Advanced modeling of protein sequence and biophysical properties (such as structural, functional, and spatial information, amino acid conservation, physicochemical variation, residue mobility, and thermodynamic stability) performed at Invitae indicates that this missense variant is not expected to disrupt CARMIL2 protein function. In summary, the available evidence is currently insufficient to determine the role of this variant in disease. Therefore, it has been classified as a Variant of Uncertain Significance. This sequence change replaces serine, which is neutral and polar, with glycine, which is neutral and non-polar, at codon 356 of the CARMIL2 protein (p.Ser356Gly).

NM_001013838.3(CARMIL2):c.1066A>G (p.Ser356Gly)

Gene: CARMIL2 (capping protein regulator and myosin 1 linker 2; plus strand). Cytogenetic location: 16q22.1.
Variant type: single nucleotide variant.
Coding change: c.1066A>G on transcript NM_001013838.3 (MANE Select); coding-DNA position 1066, A replaced by G.
Protein change: p.Ser356Gly; replaces serine 356 with glycine.
Molecular consequence: missense variant.
Genome position (GRCh38, 1-based): chr16:67,647,953, A>G. VCF-style: chr16-67647953-A-G. GRCh37 (hg19) VCF-style: chr16-67681856-A-G.
Other names: c.1066A>G, p.Ser356Gly (NM_001317026.3); short protein forms S356G.
Identifiers: ClinVar variation 2978409 (VCV002978409.3), dbSNP rs760902696, ClinGen allele CA8113326.